The following is an entry in ClinVar:

ClinVar aggregate classification (germline): Uncertain significance. Review status: criteria provided, single submitter (1 of 4 stars). 2 submissions from 2 submitters: Uncertain significance (1). 1 of the submissions does not count toward it. Last evaluated 2018-02-27.

Conditions:
Erythrokeratodermia variabilis et progressiva 3 (EKVP3). Identifiers: MedGen C4479619, MONDO:0033013, OMIM 617525.
Oculodentodigital dysplasia, autosomal recessive. Also called: OCULODENTOOSSEOUS DYSPLASIA, AUTOSOMAL RECESSIVE; ODDD, AUTOSOMAL RECESSIVE; ODOD, AUTOSOMAL RECESSIVE. Identifiers: Orphanet 2710, MedGen C2749477, MONDO:0009768, OMIM 257850.

Submissions (2):

Labcorp Genetics (formerly Invitae), Labcorp
Classification: Uncertain significance for Oculodentodigital dysplasia, autosomal recessive. Last evaluated: 2018-02-27. Review status: criteria provided, single submitter. Criteria: Invitae Variant Classification Sherloc (09022015). Collection method: clinical testing. Allele origin: germline.
Comment: In summary, the available evidence is currently insufficient to determine the role of this variant in disease. Therefore, it has been classified as a Variant of Uncertain Significance. Algorithms developed to predict the effect of missense changes on protein structure and function do not agree on the potential impact of this missense change (SIFT: "Deleterious"; PolyPhen-2: "Probably Damaging"; Align-GVGD: "Class C0"). This variant has been reported in individuals affected with erythrokeratodermia variabilis et progressiva without features of oculodental dysplasia and the variant is de novo in one of these individuals (PMID: 25398053). ClinVar contains an entry for this variant (Variation ID: 203468). This variant is not present in population databases (ExAC no frequency). This sequence change replaces glutamic acid with aspartic acid at codon 227 of the GJA1 protein (p.Glu227Asp). The glutamic acid residue is highly conserved and there is a small physicochemical difference between glutamic acid and aspartic acid.

OMIM
Classification: Pathogenic for ERYTHROKERATODERMIA VARIABILIS ET PROGRESSIVA 3. Last evaluated: 2015-06-01. Review status: no assertion criteria provided. Collection method: literature only. Allele origin: germline. Not counted in ClinVar's aggregate classification.

Literature cited by the submitters: PubMed 25398053 (cited by Labcorp Genetics (formerly Invitae), Labcorp and OMIM).

NM_000165.5(GJA1):c.681A>T (p.Glu227Asp)

Gene: GJA1 (gap junction protein alpha 1; plus strand). Cytogenetic location: 6q22.31.
Variant type: single nucleotide variant.
Coding change: c.681A>T on transcript NM_000165.5 (MANE Select); coding-DNA position 681, A replaced by T.
Protein change: p.Glu227Asp; replaces glutamic acid 227 with aspartic acid.
Molecular consequence: missense variant.
Genome position (GRCh38, 1-based): chr6:121,447,528, A>T. VCF-style: chr6-121447528-A-T. GRCh37 (hg19) VCF-style: chr6-121768674-A-T.
Other names: short protein forms E227D.
Identifiers: ClinVar variation 203468 (VCV000203468.8), dbSNP rs875989815, ClinGen allele CA10575733.
Genomic context (GRCh38, chr6:121,447,528, plus strand): 5'-CATCTTCATCATCTTCATGCTGGTGGTGTCCTTGGTGTCCCTGGCCTTGAATATCATTGA[A>T]CTCTTCTATGTTTTCTTCAAGGGCGTTAAGGATCGGGTTAAGGGAAAGAGCGACCCTTAC-3'
Protein context (NP_000156.1, residues 217-237): SLVSLALNII[Glu227Asp]LFYVFFKGVK